The following is an entry in ClinVar:

NM_001197104.2(KMT2A):c.10324G>A (p.Ala3442Thr)

Gene: KMT2A (lysine methyltransferase 2A; plus strand). Cytogenetic location: 11q23.3.
Variant type: single nucleotide variant.
Coding change: c.10324G>A on transcript NM_001197104.2 (MANE Select); coding-DNA position 10324, G replaced by A.
Protein change: p.Ala3442Thr; replaces alanine 3442 with threonine.
Molecular consequence: missense variant.
Genome position (GRCh38, 1-based): chr11:118,506,216, G>A. VCF-style: chr11-118506216-G-A. GRCh37 (hg19) VCF-style: chr11-118376931-G-A.
Other names: c.10414G>A, p.Ala3472Thr (NM_001412597.1); c.10315G>A, p.Ala3439Thr (NM_005933.4); short protein forms A3439T, A3472T, A3442T.
Identifiers: ClinVar variation 3634356 (VCV003634356.2).

ClinVar aggregate classification (germline): Uncertain significance (1 of 4 stars; one submission).

gnomAD v4.1: 3 of 1,614,110 alleles (0.00019%); highest among the groups gnomAD compares: Non-Finnish European, 0.00025%; no homozygotes.

Submission:

Labcorp Genetics (formerly Invitae), Labcorp
Classification: Uncertain significance. Last evaluated: 2024-08-28. Review status: criteria provided, single submitter. Criteria: Invitae Variant Classification Sherloc (09022015). Collection method: clinical testing. Allele origin: germline.
Comment: This sequence change replaces alanine, which is neutral and non-polar, with threonine, which is neutral and polar, at codon 3442 of the KMT2A protein (p.Ala3442Thr). This variant is not present in population databases (gnomAD no frequency). This variant has not been reported in the literature in individuals affected with KMT2A-related conditions. Invitae Evidence Modeling of protein sequence and biophysical properties (such as structural, functional, and spatial information, amino acid conservation, physicochemical variation, residue mobility, and thermodynamic stability) indicates that this missense variant is not expected to disrupt KMT2A protein function with a negative predictive value of 95%. In summary, the available evidence is currently insufficient to determine the role of this variant in disease. Therefore, it has been classified as a Variant of Uncertain Significance.